The following is an entry in ClinVar:

NM_000035.4(ALDOB):c.619G>C (p.Glu207Gln)

Gene: ALDOB (aldolase, fructose-bisphosphate B; minus strand). Cytogenetic location: 9q31.1.
Variant type: single nucleotide variant.
Coding change: c.619G>C on transcript NM_000035.4 (MANE Select); coding-DNA position 619, G replaced by C.
Protein change: p.Glu207Gln; replaces glutamic acid 207 with glutamine.
Molecular consequence: missense variant.
Genome position (GRCh38, 1-based): chr9:101,426,560, C>G on the plus strand (G>C on the coding strand, the complement: ALDOB is on the minus strand). VCF-style: chr9-101426560-C-G. GRCh37 (hg19) VCF-style: chr9-104188842-C-G.
Other names: c.619G>C, p.Glu207Gln (LRG_1244t1); short protein forms E207Q.
Identifiers: ClinVar variation 364310 (VCV000364310.21), dbSNP rs3739721, ClinGen allele CA5161521.

ClinVar aggregate classification (germline): Benign/Likely benign. Review status: criteria provided, multiple submitters, no conflicts (2 of 4 stars). 6 submissions from 6 submitters: Benign (3); Likely benign (1). 2 of the submissions do not count toward it. Last evaluated 2026-02-01.

Conditions:
ALDOB-related disorder. Also called: ALDOB-related condition.
Hereditary fructosuria. Also called: Fructose intolerance; ALDOB DEFICIENCY; ALDOLASE B DEFICIENCY; FRUCTOSE-1,6-BISPHOSPHATE ALDOLASE B DEFICIENCY; FRUCTOSE-1-PHOSPHATE ALDOLASE DEFICIENCY; FRUCTOSEMIA. Identifiers: Orphanet 469, MedGen C0016751, MONDO:0009249, OMIM 229600, HP:0005973. Disease mechanism: loss of function.

Allele frequency attached by ClinVar (database versions not stated): gnomAD 0.00046 and 0.00088; TOPMed 0.00092; gnomAD exomes 0.00127 and 0.00137; ExAC 0.00147; 1000 Genomes Project 30x 0.00359; 1000 Genomes Project 0.00439.
gnomAD v4.1: 1,941 of 1,607,612 alleles (0.12%); highest among the groups gnomAD compares: East Asian, 4.1%; 55 homozygotes.

Submissions (6):

Labcorp Genetics (formerly Invitae), Labcorp
Classification: Benign for Hereditary fructosuria. Last evaluated: 2026-02-01. Review status: criteria provided, single submitter. Criteria: Invitae Variant Classification Sherloc (09022015). Collection method: clinical testing. Allele origin: germline.

Genome-Nilou Lab
Classification: Likely benign for Hereditary fructosuria. Last evaluated: 2021-05-18. Review status: criteria provided, single submitter. Criteria: ACMG Guidelines, 2015. Collection method: clinical testing. Allele origin: germline. Affected: no.

Illumina Laboratory Services, Illumina
Classification: Benign for Hereditary fructosuria. Last evaluated: 2018-01-13. Review status: criteria provided, single submitter. Criteria: ICSL Variant Classification Criteria 13 December 2019. Collection method: clinical testing. Allele origin: germline.
Comment: This variant was observed in the ICSL laboratory as part of a predisposition screen in an ostensibly healthy population. It had not been previously curated by ICSL or reported in the Human Gene Mutation Database (HGMD: prior to June 1st, 2018), and was therefore a candidate for classification through an automated scoring system. Utilizing variant allele frequency, disease prevalence and penetrance estimates, and inheritance mode, an automated score was calculated to assess if this variant is too frequent to cause the disease. Based on the score and internal cut-off values, a variant classified as benign is not then subjected to further curation. The score for this variant resulted in a classification of benign for this disease.

GeneDx
Classification: Benign. Last evaluated: 2016-08-26. Review status: criteria provided, single submitter. Criteria: GeneDx Variant Classification (06012015). Collection method: clinical testing. Allele origin: germline. Affected: yes.
Comment: This variant is considered likely benign or benign based on one or more of the following criteria: it is a conservative change, it occurs at a poorly conserved position in the protein, it is predicted to be benign by multiple in silico algorithms, and/or has population frequency not consistent with disease.

Natera, Inc.
Classification: Benign for Fructose intolerance. Last evaluated: 2020-09-16. Review status: no assertion criteria provided. Collection method: clinical testing. Allele origin: germline. Not counted in ClinVar's aggregate classification.

PreventionGenetics, part of Exact Sciences
Classification: Benign for ALDOB-related condition. Last evaluated: 2020-01-28. Review status: no assertion criteria provided. Collection method: clinical testing. Allele origin: germline. Not counted in ClinVar's aggregate classification.
Comment: This variant is classified as benign based on ACMG/AMP sequence variant interpretation guidelines (Richards et al. 2015 PMID: 25741868, with internal and published modifications).